The following is an entry in ClinVar:

ClinVar aggregate classification (germline): Uncertain significance. Review status: criteria provided, multiple submitters, no conflicts (2 of 4 stars). 2 submissions from 2 submitters: Uncertain significance (2). Last evaluated 2022-05-25.

Conditions:
Cardiovascular phenotype. Identifiers: MedGen CN230736.
Hereditary cancer-predisposing syndrome. Also called: Hereditary neoplastic syndrome; Tumor predisposition; Neoplastic Syndromes, Hereditary; Hereditary Cancer Syndrome. Identifiers: Orphanet 140162, MedGen C0027672, MeSH D009386, MONDO:0015356.
Neurofibromatosis, type 1 (NF1). Also called: VON RECKLINGHAUSEN DISEASE; NEUROFIBROMATOSIS, TYPE I, SOMATIC; Peripheral type neurofibromatosis; Neurofibromatosis, type I. Identifiers: Orphanet 636, MedGen C0027831, MONDO:0018975, OMIM 162200. Disease mechanism: loss of function.

Submissions (2):

Ambry Genetics
Classification: Uncertain significance for Cardiovascular phenotype; Hereditary cancer-predisposing syndrome. Last evaluated: 2022-05-25. Review status: criteria provided, single submitter. Criteria: Ambry Variant Classification Scheme 2023. Collection method: clinical testing. Allele origin: germline.
Comment: The p.F1287L variant (also known as c.3859T>C), located in coding exon 28 of the NF1 gene, results from a T to C substitution at nucleotide position 3859. The phenylalanine at codon 1287 is replaced by leucine, an amino acid with highly similar properties. This alteration was identified in an individual diagnosed with breast cancer (Weitzel JN et al. Cancer, 2019 08;125:2829-2836). This amino acid position is highly conserved in available vertebrate species. In addition, this alteration is predicted to be deleterious by in silico analysis. Since supporting evidence is limited at this time, the clinical significance of this alteration remains unclear.

Labcorp Genetics (formerly Invitae), Labcorp
Classification: Uncertain significance for Neurofibromatosis, type 1. Last evaluated: 2021-08-27. Review status: criteria provided, single submitter. Criteria: Invitae Variant Classification Sherloc (09022015). Collection method: clinical testing. Allele origin: germline.
Comment: This sequence change replaces phenylalanine with leucine at codon 1287 of the NF1 protein (p.Phe1287Leu). The phenylalanine residue is moderately conserved and there is a small physicochemical difference between phenylalanine and leucine. This variant is not present in population databases (ExAC no frequency). This variant has not been reported in the literature in individuals affected with NF1-related conditions. Algorithms developed to predict the effect of missense changes on protein structure and function are either unavailable or do not agree on the potential impact of this missense change (SIFT: "Tolerated"; PolyPhen-2: "Possibly Damaging"; Align-GVGD: "Class C0"). In summary, the available evidence is currently insufficient to determine the role of this variant in disease. Therefore, it has been classified as a Variant of Uncertain Significance.

NM_001042492.3(NF1):c.3859T>C (p.Phe1287Leu)

Gene: NF1 (neurofibromin 1; plus strand). Cytogenetic location: 17q11.2.
Variant type: single nucleotide variant.
Coding change: c.3859T>C on transcript NM_001042492.3 (MANE Select); coding-DNA position 3859, T replaced by C.
Protein change: p.Phe1287Leu; replaces phenylalanine 1287 with leucine.
Molecular consequence: missense variant.
Genome position (GRCh38, 1-based): chr17:31,235,761, T>C. VCF-style: chr17-31235761-T-C. GRCh37 (hg19) VCF-style: chr17-29562779-T-C.
Other names: c.3859T>C, p.Phe1287Leu (NM_000267.4); short protein forms F1287L.
Identifiers: ClinVar variation 951938 (VCV000951938.6), dbSNP rs1434858786, ClinGen allele CA398992885.